The following is an entry in ClinVar:

ClinVar aggregate classification (germline): Uncertain significance. Review status: criteria provided, multiple submitters, no conflicts (2 of 4 stars). 2 submissions from 2 submitters: Uncertain significance (2). Last evaluated 2025-02-24.

Conditions:
Inborn genetic diseases. Identifiers: MedGen C0950123, MeSH D030342.
COG8-congenital disorder of glycosylation. Also called: CDG IIh; COG8-CDG. Identifiers: Orphanet 95428, MedGen C1970021, MONDO:0012635, OMIM 611182.

Allele frequency attached by ClinVar (database versions not stated): gnomAD 0.00001; TOPMed 0.00007.
gnomAD v4.1: 9 of 1,585,344 alleles (0.00057%); highest among the groups gnomAD compares: Admixed American, 0.009%; no homozygotes.

Submissions (2):

Labcorp Genetics (formerly Invitae), Labcorp
Classification: Uncertain significance for COG8-congenital disorder of glycosylation. Last evaluated: 2025-02-24. Review status: criteria provided, single submitter. Criteria: Invitae Variant Classification Sherloc (09022015). Collection method: clinical testing. Allele origin: germline.
Comment: This sequence change replaces glutamic acid, which is acidic and polar, with aspartic acid, which is acidic and polar, at codon 64 of the COG8 protein (p.Glu64Asp). The frequency data for this variant in the population databases is considered unreliable, as metrics indicate poor data quality at this position in the gnomAD database. This variant has not been reported in the literature in individuals affected with COG8-related conditions. ClinVar contains an entry for this variant (Variation ID: 1909704). Invitae Evidence Modeling of protein sequence and biophysical properties (such as structural, functional, and spatial information, amino acid conservation, physicochemical variation, residue mobility, and thermodynamic stability) indicates that this missense variant is expected to disrupt COG8 protein function with a positive predictive value of 80%. In summary, the available evidence is currently insufficient to determine the role of this variant in disease. Therefore, it has been classified as a Variant of Uncertain Significance.

Ambry Genetics
Classification: Uncertain significance for Inborn genetic diseases. Last evaluated: 2024-01-29. Review status: criteria provided, single submitter. Criteria: Ambry Variant Classification Scheme 2023. Collection method: clinical testing. Allele origin: germline.

NM_032382.5(COG8):c.192G>T (p.Glu64Asp)

Gene: COG8 (component of oligomeric golgi complex 8; minus strand). Cytogenetic location: 16q22.1.
Variant type: single nucleotide variant.
Coding change: c.192G>T on transcript NM_032382.5 (MANE Select); coding-DNA position 192, G replaced by T.
Protein change: p.Glu64Asp; replaces glutamic acid 64 with aspartic acid.
Molecular consequence: missense variant.
Genome position (GRCh38, 1-based): chr16:69,339,361, C>A on the plus strand (G>T on the coding strand, the complement: COG8 is on the minus strand). VCF-style: chr16-69339361-C-A. GRCh37 (hg19) VCF-style: chr16-69373264-C-A.
Other names: c.192G>T (NM_032382.4); c.192G>T, p.Glu64Asp (NM_001374871.1, NM_001379261.1, NM_001379262.1 and 4 more transcripts); short protein forms E64D.
Identifiers: ClinVar variation 1909704 (VCV001909704.4), dbSNP rs918646670, ClinGen allele CA283365705.
Genomic context (GRCh38, chr16:69,339,361, plus strand): 5'-GAAGGCCAAGTCGCGCGTCTGCTGCAGCAGCTGCGCCCGCTCCTCCGCCAGGCGCTCGGG[C>A]TCGCGCCGCAGCCGCTCCAGCCCCGAGCCGCTCAACTCCCGGAGGTAGCGGCCCACATCG-3'
Protein context (NP_115758.3, residues 54-74): SGSGLERLRR[Glu64Asp]PERLAEERAQ